The following is an entry in ClinVar:

ClinVar aggregate classification (germline): Conflicting classifications of pathogenicity. Review status: criteria provided, conflicting classifications (1 of 4 stars). 5 submissions from 5 submitters: Uncertain significance (4); Likely benign (1). Last evaluated 2025-01-13.

Conditions:
Inborn genetic diseases. Identifiers: MedGen C0950123, MeSH D030342.
Autosomal dominant nonsyndromic hearing loss 17. Also called: Deafness, autosomal dominant 17; Autosomal dominant nonsyndromic deafness 17. Identifiers: Orphanet 90635, MedGen C1863659, MONDO:0011350, OMIM 603622.
Macrothrombocytopenia and granulocyte inclusions with or without nephritis or sensorineural hearing loss (MATINS). Also called: BLEEDING DISORDER, PLATELET-TYPE, 6; MAY-HEGGLIN ANOMALY; MYH9-Related Disease (MYH9-RD); DOHLE LEUKOCYTE INCLUSIONS WITH GIANT PLATELETS; SEBASTIAN PLATELET SYNDROME; MACROTHROMBOCYTOPENIA WITH DISPERSED LEUKOCYTIC INCLUSIONS. Identifiers: Orphanet 182050, MedGen C5200934, MONDO:0015912, OMIM 155100.

Allele frequency attached by ClinVar (database versions not stated): TOPMed 0.00007.
gnomAD v4.1: 30 of 1,614,066 alleles (0.0019%); highest among the groups gnomAD compares: Middle Eastern, 0.033%; no homozygotes.

Submissions (5):

Labcorp Genetics (formerly Invitae), Labcorp
Classification: Likely benign. Last evaluated: 2025-01-13. Review status: criteria provided, single submitter. Criteria: Invitae Variant Classification Sherloc (09022015). Collection method: clinical testing. Allele origin: germline.

ARUP Laboratories, Molecular Genetics and Genomics, ARUP Laboratories
Classification: Uncertain significance. Last evaluated: 2024-12-13. Review status: criteria provided, single submitter. Criteria: ARUP Molecular Germline Variant Investigation Process 2024. Collection method: clinical testing. Allele origin: germline.
Comment: The MYH9 c.4179C>G; p.Asp1393Glu variant (rs727504829), to our knowledge, is not reported in the medical literature but is reported in ClinVar (Variation ID: 179380). This variant is only observed on three alleles in the Genome Aggregation Database (v2.1.1), indicating it is not a common polymorphism. Computational analyses are uncertain whether this variant is neutral or deleterious (REVEL: 0.277). Due to limited information, the clinical significance of this variant is uncertain at this time.

Ambry Genetics
Classification: Uncertain significance for Inborn genetic diseases. Last evaluated: 2023-11-22. Review status: criteria provided, single submitter. Criteria: Ambry Variant Classification Scheme 2023. Collection method: clinical testing. Allele origin: germline.

Fulgent Genetics
Classification: Uncertain significance for Macrothrombocytopenia and granulocyte inclusions with or without nephritis or sensorineural hearing loss; Autosomal dominant nonsyndromic hearing loss 17. Last evaluated: 2021-07-21. Review status: criteria provided, single submitter. Criteria: ACMG Guidelines, 2015. Collection method: clinical testing. Allele origin: unknown.

Laboratory for Molecular Medicine, Mass General Brigham Personalized Medicine
Classification: Uncertain significance. Last evaluated: 2013-11-22. Review status: criteria provided, single submitter. Criteria: LMM Criteria. Collection method: clinical testing. Allele origin: germline. Observed: 1 variant allele.
Comment: The Asp1393Glu variant in MYH9 has not been previously reported in individuals w ith hearing loss or in large population studies. Computational analyses (bioche mical amino acid properties, conservation, AlignGVGD, PolyPhen2, and SIFT) do no t provide strong support for or against an impact to the protein. In summary, ad ditional data is needed to determine the clinical significance of this variant.

NM_002473.6(MYH9):c.4179C>G (p.Asp1393Glu)

Gene: MYH9 (myosin heavy chain 9; minus strand). Cytogenetic location: 22q12.3.
Variant type: single nucleotide variant.
Coding change: c.4179C>G on transcript NM_002473.6 (MANE Select); coding-DNA position 4179, C replaced by G.
Protein change: p.Asp1393Glu; replaces aspartic acid 1393 with glutamic acid.
Molecular consequence: missense variant.
Genome position (GRCh38, 1-based): chr22:36,292,151, G>C on the plus strand (C>G on the coding strand, the complement: MYH9 is on the minus strand). VCF-style: chr22-36292151-G-C. GRCh37 (hg19) VCF-style: chr22-36688197-G-C.
Other names: short protein forms D1393E.
Identifiers: ClinVar variation 179380 (VCV000179380.13), dbSNP rs727504829, ClinGen allele CA184309.